The following is an entry in ClinVar:

ClinVar aggregate classification (germline): Benign/Likely benign. Review status: criteria provided, multiple submitters, no conflicts (2 of 4 stars). 3 submissions from 3 submitters: Benign (2); Likely benign (1). Last evaluated 2024-11-26.

Allele frequency attached by ClinVar (database versions not stated): TOPMed 0.10782; ESP Exome Variant Server 0.10795; gnomAD 0.10902 and 0.10911; 1000 Genomes Project 30x 0.11415; 1000 Genomes Project 0.11921; gnomAD exomes 0.12579 and 0.14250; ExAC 0.12722.
gnomAD v4.1: 224,771 of 1,613,134 alleles (14%); highest among the groups gnomAD compares: East Asian, 31%; 17,696 homozygotes.

Submissions (3):

Blueprint Genetics
Classification: Likely benign. Last evaluated: 2024-11-26. Review status: criteria provided, single submitter. Criteria: ACMG Guidelines, 2015. Collection method: clinical testing. Allele origin: germline.

Laboratory for Molecular Medicine, Mass General Brigham Personalized Medicine
Classification: Benign. Last evaluated: 2016-03-28. Review status: criteria provided, single submitter. Criteria: LMM Criteria. Collection method: clinical testing. Allele origin: germline.
Comment: Variant identified in a genome or exome case(s) and assessed due to predicted null impact of the variant or pathogenic assertions in the literature or databases. Disclaimer: This variant has not undergone full assessment. The following are preliminary notes: Frequency

Breakthrough Genomics
Classification: Benign. Review status: criteria provided, single submitter. Criteria: ACMG Guidelines, 2015. Collection method: not provided. Allele origin: germline. Inheritance: Autosomal recessive inheritance. Affected: yes.

NM_024027.5(COLEC11):c.203-11475G>A

Gene: COLEC11 (collectin subfamily member 11; plus strand). Cytogenetic location: 2p25.3.
Variant type: single nucleotide variant.
Coding change: c.203-11475G>A on transcript NM_024027.5 (MANE Select); 11475 bases into the intron before coding-DNA position 203, G replaced by A.
Molecular consequence: intron variant. On other transcripts: synonymous variant (1).
Genome position (GRCh38, 1-based): chr2:3,626,058, G>A. VCF-style: chr2-3626058-G-A. GRCh37 (hg19) VCF-style: chr2-3673648-G-A.
Other names: c.159G>A, p.Lys53= (NM_199235.3); c.202+12676G>A (NM_001255983.2); c.131-11475G>A (NM_001255982.2); c.131-14220G>A (NM_001255984.2); c.245-11475G>A (NM_001255985.1); c.125-11475G>A (NM_001255986.1); c.124+12676G>A (NM_001255988.1); c.53-11475G>A (NM_001255987.1); and 1 more.
Identifiers: ClinVar variation 402556 (VCV000402556.6), dbSNP rs10170348, ClinGen allele CA1516906.